The following is an entry in ClinVar:

NM_001375567.1(FOCAD):c.5062A>G (p.Thr1688Ala)

Gene: FOCAD (focadhesin; plus strand). Cytogenetic location: 9p21.3.
Variant type: single nucleotide variant.
Coding change: c.5062A>G on transcript NM_001375567.1 (MANE Select); coding-DNA position 5062, A replaced by G.
Protein change: p.Thr1688Ala; replaces threonine 1688 with alanine.
Molecular consequence: missense variant.
Genome position (GRCh38, 1-based): chr9:20,990,180, A>G. VCF-style: chr9-20990180-A-G. GRCh37 (hg19) VCF-style: chr9-20990179-A-G.
Other names: c.4957A>G, p.Thr1653Ala (NM_001375568.1, NM_001375570.1); c.5062A>G, p.Thr1688Ala (NM_017794.5); short protein forms T1653A, T1688A.
Identifiers: ClinVar variation 3704788 (VCV003704788.2).
Genomic context (GRCh38, chr9:20,990,180, plus strand): 5'-TAGGCTTTGGACTTCTTCTTGCTGATATTTGCAACCGCAGTGGTTGCATGGGCTGACCAC[A>G]CTGCCCCTCTCCTCCTCGGCCTCAGTGCCAGTTGGTTGCCATGGCATCAGGAGAATGGCC-3'
Protein context (NP_001362496.1, residues 1678-1698): ATAVVAWADH[Thr1688Ala]APLLLGLSAS

ClinVar aggregate classification (germline): Uncertain significance (1 of 4 stars; one submission).

gnomAD v4.1: 8 of 1,614,092 alleles (0.0005%); highest among the groups gnomAD compares: Middle Eastern, 0.016%; no homozygotes.

Submission:

Labcorp Genetics (formerly Invitae), Labcorp
Classification: Uncertain significance. Last evaluated: 2025-02-09. Review status: criteria provided, single submitter. Criteria: Invitae Variant Classification Sherloc (09022015). Collection method: clinical testing. Allele origin: germline.
Comment: This sequence change replaces threonine, which is neutral and polar, with alanine, which is neutral and non-polar, at codon 1688 of the FOCAD protein (p.Thr1688Ala). This variant is present in population databases (rs371212943, gnomAD 0.004%). This variant has not been reported in the literature in individuals affected with FOCAD-related conditions. Experimental studies and prediction algorithms are not available or were not evaluated, and the functional significance of this variant is currently unknown. In summary, the available evidence is currently insufficient to determine the role of this variant in disease. Therefore, it has been classified as a Variant of Uncertain Significance.